The following is an entry in ClinVar:

ClinVar aggregate classification (germline): Uncertain significance. Review status: criteria provided, multiple submitters, no conflicts (2 of 4 stars). 4 submissions from 4 submitters: Uncertain significance (4). Last evaluated 2024-06-19.

Conditions:
Hereditary cancer-predisposing syndrome. Also called: Neoplastic Syndromes, Hereditary; Hereditary Cancer Syndrome; Hereditary neoplastic syndrome; Tumor predisposition. Identifiers: Orphanet 140162, MedGen C0027672, MeSH D009386, MONDO:0015356.
Microcephaly, normal intelligence and immunodeficiency (NBS). Also called: Immunodeficiency, microcephaly with normal intelligence; SEEMANOVA SYNDROME II; Nijmegen breakage syndrome; Microcephaly with normal intelligence immunodeficiency and lymphoreticular malignancies; Nonsyndromal microcephaly autosomal recessive with normal intelligence; Seemanova syndrome 2. Identifiers: Orphanet 647, MedGen C0398791, MONDO:0009623, OMIM 251260.

Allele frequency attached by ClinVar (database versions not stated): gnomAD exomes below 0.00001 and 0.00001; TOPMed below 0.00001.
gnomAD v4.1: 3 of 1,548,872 alleles (0.00019%); highest among the groups gnomAD compares: South Asian, 0.0011%; no homozygotes.

Submissions (5):

Labcorp Genetics (formerly Invitae), Labcorp
Classification: Uncertain significance for Microcephaly, normal intelligence and immunodeficiency. Last evaluated: 2024-06-19. Review status: criteria provided, single submitter. Criteria: Invitae Variant Classification Sherloc (09022015). Collection method: clinical testing. Allele origin: germline.
Comment: This sequence change affects codon 616 of the NBN mRNA. It is a 'silent' change, meaning that it does not change the encoded amino acid sequence of the NBN protein. The frequency data for this variant in the population databases is considered unreliable, as metrics indicate poor data quality at this position in the gnomAD database. This variant has not been reported in the literature in individuals affected with NBN-related conditions. ClinVar contains an entry for this variant (Variation ID: 142152). Algorithms developed to predict the effect of sequence changes on RNA splicing suggest that this variant may create or strengthen a splice site. In summary, the available evidence is currently insufficient to determine the role of this variant in disease. Therefore, it has been classified as a Variant of Uncertain Significance.

Ambry Genetics
Classification: Uncertain significance for Hereditary cancer-predisposing syndrome. Last evaluated: 2023-06-18. Review status: criteria provided, single submitter. Criteria: Ambry Variant Classification Scheme 2023. Collection method: clinical testing. Allele origin: germline.
Comment: The c.1848A>G variant (also known as p.Q616Q), located in coding exon 12 of the NBN gene, results from an A to G substitution at nucleotide position 1848. This nucleotide substitution does not change the glutamine at codon 616. This nucleotide position is highly conserved in available vertebrate species. In silico splice site analysis predicts that this alteration will result in the creation or strengthening of a novel splice acceptor site. Since supporting evidence is limited at this time, the clinical significance of this alteration remains unclear.

Genome-Nilou Lab
Classification: Uncertain significance for Microcephaly, normal intelligence and immunodeficiency. Last evaluated: 2021-11-07. Review status: criteria provided, single submitter. Criteria: ACMG Guidelines, 2015. Collection method: clinical testing. Allele origin: germline. Affected: no.

GeneDx
Classification: Uncertain significance. Last evaluated: 2019-10-28. Review status: criteria provided, single submitter. Criteria: GeneDx Variant Classification Process June 2021. Collection method: clinical testing. Allele origin: germline. Affected: yes.
Comment: Not observed at a significant frequency in large population cohorts (Lek 2016); In silico analysis, which includes splice predictors and evolutionary conservation, supports that this variant does not alter protein structure/function; Has not been previously published as pathogenic or benign to our knowledge

Dr. Peter K. Rogan Lab, Western University
No classification provided (evidence only). Condition: Hepatocellular carcinoma. Review status: no classification provided. Collection method: in vitro. Allele origin: not applicable. Functional consequence: skipped exon. Not counted in ClinVar's aggregate classification.

NM_002485.5(NBN):c.1848A>G (p.Gln616=)

Genes: NBN (nibrin; minus strand), LOC126860438 (MED14-independent group 3 enhancer GRCh37_chr8:90959982-90961181; plus strand). Cytogenetic location: 8q21.3.
Variant type: single nucleotide variant.
Coding change: c.1848A>G on transcript NM_002485.5 (MANE Select); coding-DNA position 1848, A replaced by G.
Protein change: p.Gln616=; no amino-acid change (glutamine 616 retained).
Molecular consequence: synonymous variant.
Genome position (GRCh38, 1-based): chr8:89,947,890, T>C on the plus strand (A>G on the coding strand, the complement: NBN is on the minus strand). VCF-style: chr8-89947890-T-C. GRCh37 (hg19) VCF-style: chr8-90960118-T-C.
Other names: c.1602A>G, p.Gln534= (NM_001024688.3).
Identifiers: ClinVar variation 142152 (VCV000142152.16), dbSNP rs587782269, ClinGen allele CA167547.